The following is an entry in ClinVar:

NM_001001331.4(ATP2B2):c.2405-3C>T

Gene: ATP2B2 (ATPase plasma membrane Ca2+ transporting 2; minus strand). Cytogenetic location: 3p25.3.
Variant type: single nucleotide variant.
Coding change: c.2405-3C>T on transcript NM_001001331.4 (MANE Select); 3 bases into the intron before coding-DNA position 2405, C replaced by T.
Molecular consequence: intron variant.
Genome position (GRCh38, 1-based): chr3:10,346,140, G>A on the plus strand (C>T on the coding strand, the complement: ATP2B2 is on the minus strand). VCF-style: chr3-10346140-G-A. GRCh37 (hg19) VCF-style: chr3-10387824-G-A.
Other names: c.2270-3C>T (NM_001353564.1, NM_001683.5, NM_001330611.3 and 1 more transcripts).
Identifiers: ClinVar variation 2711348 (VCV002711348.3), dbSNP rs376993624, ClinGen allele CA2253378.

ClinVar aggregate classification (germline): Uncertain significance (1 of 4 stars; one submission).

Allele frequency attached by ClinVar (database versions not stated): gnomAD exomes 0.00001; ExAC 0.00004; gnomAD 0.00009; TOPMed 0.00014; ESP Exome Variant Server 0.00015; 1000 Genomes Project 30x 0.00016; 1000 Genomes Project 0.00020.
gnomAD v4.1: 30 of 1,609,618 alleles (0.0019%); highest among the groups gnomAD compares: African/African-American, 0.036%; no homozygotes.

Submission:

Labcorp Genetics (formerly Invitae), Labcorp
Classification: Uncertain significance. Last evaluated: 2023-04-06. Review status: criteria provided, single submitter. Criteria: Invitae Variant Classification Sherloc (09022015). Collection method: clinical testing. Allele origin: germline.
Comment: This variant has not been reported in the literature in individuals affected with ATP2B2-related conditions. In summary, the available evidence is currently insufficient to determine the role of this variant in disease. Therefore, it has been classified as a Variant of Uncertain Significance. Variants that disrupt the consensus splice site are a relatively common cause of aberrant splicing (PMID: 17576681, 9536098). Algorithms developed to predict the effect of sequence changes on RNA splicing suggest that this variant is not likely to affect RNA splicing. This variant is present in population databases (rs376993624, gnomAD 0.05%). This sequence change falls in intron 13 of the ATP2B2 gene. It does not directly change the encoded amino acid sequence of the ATP2B2 protein. It affects a nucleotide within the consensus splice site.

Literature cited by the submitters: PubMed 17576681; PubMed 9536098.